The following is an entry in ClinVar:

NM_005909.5(MAP1B):c.2793C>T (p.Ala931=)

Gene: MAP1B (microtubule associated protein 1B; plus strand). Cytogenetic location: 5q13.2.
Variant type: single nucleotide variant.
Coding change: c.2793C>T on transcript NM_005909.5 (MANE Select); coding-DNA position 2793, C replaced by T.
Protein change: p.Ala931=; no amino-acid change (alanine 931 retained).
Molecular consequence: synonymous variant.
Genome position (GRCh38, 1-based): chr5:72,196,148, C>T. VCF-style: chr5-72196148-C-T. GRCh37 (hg19) VCF-style: chr5-71491975-C-T.
Other names: c.2415C>T, p.Ala805= (NM_001324255.2).
Identifiers: ClinVar variation 3771036 (VCV003771036.13).

ClinVar aggregate classification (germline): Likely benign (1 of 4 stars; one submission).

Submission:

CeGaT Center for Human Genetics Tuebingen
Classification: Likely benign. Last evaluated: 2025-02-01. Review status: criteria provided, single submitter. Criteria: CeGaT Center For Human Genetics Tuebingen Variant Classification Criteria Version 2. Collection method: clinical testing. Allele origin: germline. Affected: yes. Observed: 1 variant allele.
Comment: MAP1B: BP4, BP7